The following is an entry in ClinVar:

NM_024426.6(WT1):c.965+1G>A

Gene: WT1 (WT1 transcription factor; minus strand). Cytogenetic location: 11p13.
Variant type: single nucleotide variant.
Coding change: c.965+1G>A on transcript NM_024426.6 (MANE Select); the canonical splice donor site of the intron after coding-DNA position 965, G replaced by A.
Molecular consequence: splice donor variant. On other transcripts: non-coding transcript variant (2).
Genome position (GRCh38, 1-based): chr11:32,417,576, C>T on the plus strand (G>A on the coding strand, the complement: WT1 is on the minus strand). VCF-style: chr11-32417576-C-T. GRCh37 (hg19) VCF-style: chr11-32439122-C-T.
Other names: c.842+1G>A (NM_001407050.1, NM_001407047.1); c.965+1G>A (NM_001407048.1, NM_001407049.1, NM_000378.6 and 4 more transcripts); c.203+1G>A (NM_001407051.1); c.314+1G>A (NM_001198552.2, NM_001198551.2).
Identifiers: ClinVar variation 661942 (VCV000661942.26), dbSNP rs771527206, ClinGen allele CA065917.

ClinVar aggregate classification (germline): Conflicting classifications of pathogenicity. Review status: criteria provided, conflicting classifications (1 of 4 stars). 5 submissions from 5 submitters: Likely pathogenic (4); Uncertain significance (1). Last evaluated 2025-09-15.

Conditions:
Frasier syndrome. Identifiers: Orphanet 347, MedGen C0950122, MeSH D052159, MONDO:0007635, OMIM 136680.
Drash syndrome (DDS). Also called: WILMS TUMOR AND PSEUDO- OR TRUE HERMAPHRODITISM; NEPHROPATHY, WILMS TUMOR, AND GENITAL ANOMALIES. Identifiers: Orphanet 220, MedGen C0950121, MONDO:0008682, OMIM 194080.
Wilms tumor 1 (WT1). Also called: Wilms tumor, somatic. Identifiers: Orphanet 654, MedGen CN033288, MONDO:0008679, OMIM 194070.
11p partial monosomy syndrome (WAGR). Also called: CHROMOSOME 11p13 DELETION SYNDROME; WAGR Complex; WAGR Spectrum Disorder; WAGR syndrome. Identifiers: Orphanet 893, MedGen C0206115, MONDO:0008681, OMIM 194072.
Inborn genetic diseases. Identifiers: MedGen C0950123, MeSH D030342.

Allele frequency attached by ClinVar (database versions not stated): ExAC 0.00001; gnomAD 0.00001; gnomAD exomes 0.00001; TOPMed 0.00001.
gnomAD v4.1: 7 of 1,613,252 alleles (0.00043%); highest among the groups gnomAD compares: Non-Finnish European, 0.00059%; no homozygotes.

Submissions (5):

GeneDx
Classification: Likely pathogenic. Last evaluated: 2025-09-15. Review status: criteria provided, single submitter. Criteria: GeneDx Variant Classification Process June 2021. Collection method: clinical testing. Allele origin: germline. Affected: yes.
Comment: Canonical splice site variant expected to result in aberrant splicing, impacting the critical transciptional activation domain (Wang 1993); Not observed at significant frequency in large population cohorts (gnomAD); Has not been previously published as pathogenic or benign to our knowledge

Ambry Genetics
Classification: Uncertain significance for Inborn genetic diseases. Last evaluated: 2025-06-12. Review status: criteria provided, single submitter. Criteria: Ambry Variant Classification Scheme 2023. Collection method: clinical testing. Allele origin: germline.
Comment: The c.950+1G>A intronic variant results from a G to A substitution one nucleotide after coding exon 4 of the WT1 gene. Alterations that disrupt the canonical splice site are expected to result in aberrant splicing. In silico splice site analysis predicts that this alteration will weaken the native splice donor site. A resulting transcript is predicted to be in-frame and is not expected to trigger nonsense-mediated mRNAdecay; although, direct evidence is unavailable. This nucleotide position is highly conserved in available vertebrate species. Based on the available evidence, the clinical significance of this variant remains unclear.

Labcorp Genetics (formerly Invitae), Labcorp
Classification: Likely pathogenic for Wilms tumor 1; Drash syndrome; 11p partial monosomy syndrome; Frasier syndrome. Last evaluated: 2023-09-23. Review status: criteria provided, single submitter. Criteria: Invitae Variant Classification Sherloc (09022015). Collection method: clinical testing. Allele origin: germline.
Comment: This sequence change affects a donor splice site in intron 4 of the WT1 gene. It is expected to disrupt RNA splicing. Variants that disrupt the donor or acceptor splice site typically lead to a loss of protein function (PMID: 16199547), and loss-of-function variants in WT1 are known to be pathogenic (PMID: 15150775). In summary, the currently available evidence indicates that the variant is pathogenic, but additional data are needed to prove that conclusively. Therefore, this variant has been classified as Likely Pathogenic. This variant is not present in population databases (gnomAD no frequency). This variant has not been reported in the literature in individuals affected with WT1-related conditions. ClinVar contains an entry for this variant (Variation ID: 661942). Algorithms developed to predict the effect of sequence changes on RNA splicing suggest that this variant may disrupt the consensus splice site.

Revvity Omics, Revvity
Classification: Likely pathogenic. Last evaluated: 2023-08-23. Review status: criteria provided, single submitter. Criteria: ACMG Guidelines, 2015. Collection method: clinical testing. Allele origin: germline.

All of Us Research Program, National Institutes of Health
Classification: Likely pathogenic for Wilms tumor 1. Last evaluated: 2023-07-10. Review status: criteria provided, single submitter. Criteria: ACMG Guidelines, 2015. Collection method: clinical testing. Allele origin: germline. Inheritance: Autosomal dominant inheritance. Observed: 1 variant allele, 1 heterozygote.
Comment: The c.950+1G>A variant of the WT1 gene is predicted to disrupt the canonical donor splice site in intron 4. It is predicted to affect mRNA splicing, resulting in an absent or disrupted protein product. Loss-of-function variants in WT1 gene are known to be pathogenic (PMID: 15150775). This variant has not been identified in the general population according to gnomAD. Therefore, the c.950+1G>A variant in the WT1 gene is classified as likely pathogenic.

This study involves interpretation of variants in research participants for the purpose of population health screening. Participant phenotype was not available at the time of variant classification. Additional details can be found in publication PMID: 35346344, PMCID: PMC8962531

Literature cited by the submitters: PubMed 16199547 (cited by Labcorp Genetics (formerly Invitae), Labcorp); PubMed 15150775 (cited by Labcorp Genetics (formerly Invitae), Labcorp and All of Us Research Program, National Institutes of Health).